The following is an entry in ClinVar:

NM_001399.5(EDA):c.820T>C (p.Trp274Arg)

Gene: EDA (ectodysplasin A; plus strand). Cytogenetic location: Xq13.1.
Variant type: single nucleotide variant.
Coding change: c.820T>C on transcript NM_001399.5 (MANE Select); coding-DNA position 820, T replaced by C.
Protein change: p.Trp274Arg; replaces tryptophan 274 with arginine.
Molecular consequence: missense variant.
Genome position (GRCh38, 1-based): chrX:70,033,424, T>C. VCF-style: chrX-70033424-T-C. GRCh37 (hg19) VCF-style: chrX-69253274-T-C.
Other names: c.820T>C, p.Trp274Arg (NM_001005609.2); c.811T>C, p.Trp271Arg (NM_001005612.3); short protein forms W271R, W274R.
Identifiers: ClinVar variation 2635389 (VCV002635389.1), dbSNP rs2520343091, ClinGen allele CA413448812.

ClinVar aggregate classification (germline): Likely pathogenic (1 of 4 stars; one submission).

Conditions:
EDA-related disorder. Also called: EDA-related condition; EDA-related disorders.

Submission:

PreventionGenetics, part of Exact Sciences
Classification: Likely pathogenic for EDA-related condition. Last evaluated: 2023-07-13. Review status: criteria provided, single submitter. Criteria: ACMG Guidelines, 2015. Collection method: clinical testing. Allele origin: germline.
Comment: The EDA c.820T>C variant is predicted to result in the amino acid substitution p.Trp274Arg. To our knowledge, this variant has not been reported in the literature or in a large population database, indicating this variant is rare. A different nucleotide substitution (c.820T>A) resulting in the same amino acid change (p.Trp274Arg) was reported in the hemizygous state in an individual with ectodermal dysplasia (Cluzeau et al. 2011. PubMed ID: 20979233) and other missense variants at this position (p.Trp274Cys and p.Trp274Gly) have also been associated with disease (Jones et al. 2013. PubMed ID: 23687000, Table SII; Paakkonen et al. 2001. PubMed ID: 11295832). This variant is interpreted as likely pathogenic.